The following is an entry in ClinVar:

NM_014363.6(SACS):c.159dup (p.Gly54fs)

Genes: SACS (sacsin molecular chaperone; minus strand), LOC130009366 (ATAC-STARR-seq lymphoblastoid silent region 5172; plus strand). Cytogenetic location: 13q12.12.
Variant type: Duplication.
Coding change: c.159dup on transcript NM_014363.6 (MANE Select); coding-DNA position 159, one base duplicated (C; older notation c.159dupC).
Protein change: p.Gly54fs; shifts the reading frame from glycine 54.
Molecular consequence: frameshift variant. On other transcripts: 5 prime UTR variant (1).
Genome position (GRCh38, 1-based): chr13:23,375,131, G duplicated on the plus strand (C on the coding strand, the reverse complement: SACS is on the minus strand). VCF-style (leftmost placement, unchanged base first): chr13-23375130-C-CG. GRCh37 (hg19) VCF-style: chr13-23949269-C-CG.
Other names: c.-195dup (NM_001278055.2); c.159dup, p.Gly54fs (NM_001437336.1); short protein forms G54fs.
Identifiers: ClinVar variation 5011944 (VCV005011944.1).

ClinVar aggregate classification (germline): Pathogenic (1 of 4 stars; one submission).

Conditions:
Charlevoix-Saguenay spastic ataxia (SACS). Also called: AUTOSOMAL RECESSIVE SPASTIC ATAXIA OF CHARLEVOIX-SAGUENAY; Spastic ataxia of Charlevoix-Saguenay; SPASTIC ATAXIA 6, AUTOSOMAL RECESSIVE. Identifiers: Orphanet 98, MedGen C1849140, MONDO:0010041, OMIM 270550.

Submission:

Myriad Genetics, Inc.
Classification: Pathogenic for Charlevoix-Saguenay spastic ataxia. Last evaluated: 2023-09-27. Review status: criteria provided, single submitter. Criteria: Myriad Autosomal Dominant, Autosomal Recessive and X-Linked Classification Criteria (2023). Collection method: clinical testing. Allele origin: unknown.
Comment: NM_014363.4(SACS):c.159dupC(G54Rfs*7) is expected to be pathogenic in the context of autosomal recessive spastic ataxia of Charlevoix-Saguenay. This variant is predicted to lead to an abnormal or absent protein product due to the creation of a premature termination codon in SACS, a gene where loss-of-function variants are known to be pathogenic. Please note: this variant was assessed in the context of healthy population screening.